The following is an entry in ClinVar:

NM_015267.4(CUX2):c.487C>T (p.Arg163Cys)

Gene: CUX2 (cut like homeobox 2; plus strand). Cytogenetic location: 12q24.11.
Variant type: single nucleotide variant.
Coding change: c.487C>T on transcript NM_015267.4 (MANE Select); coding-DNA position 487, C replaced by T.
Protein change: p.Arg163Cys; replaces arginine 163 with cysteine.
Molecular consequence: missense variant.
Genome position (GRCh38, 1-based): chr12:111,293,496, C>T. VCF-style: chr12-111293496-C-T. GRCh37 (hg19) VCF-style: chr12-111731300-C-T.
Other names: c.301C>T, p.Arg101Cys (NM_001370598.1); short protein forms R163C, R101C.
Identifiers: ClinVar variation 719542 (VCV000719542.34), dbSNP rs202242120, ClinGen allele CA6788380.
Genomic context (GRCh38, chr12:111,293,496, plus strand): 5'-CTCCCTGCAGAGCAGAGAGAGGGGACGTCGCCTGCCGGGCCCACGCTGACCGAGGGAAGC[C>T]GCCTCCCAGGCATTCCCGGGAAAGCCCTCCTGACAGAAACCTTGCTGCAGAGAAATGAGG-3'
Protein context (NP_056082.2, residues 153-173): PAGPTLTEGS[Arg163Cys]LPGIPGKALL

ClinVar aggregate classification (germline): Benign/Likely benign. Review status: criteria provided, multiple submitters, no conflicts (2 of 4 stars). 4 submissions from 4 submitters: Benign (2); Likely benign (2). Last evaluated 2024-10-30.

Conditions:
CUX2-related disorder. Also called: CUX2-related condition.

Allele frequency attached by ClinVar (database versions not stated): gnomAD exomes 0.00026 and 0.00055; ExAC 0.00082; gnomAD 0.00249 and 0.00264; TOPMed 0.00261; ESP Exome Variant Server 0.00334; 1000 Genomes Project 30x 0.00359; 1000 Genomes Project 0.00399.

Submissions (4):

Blueprint Genetics
Classification: Likely benign. Last evaluated: 2024-10-30. Review status: criteria provided, single submitter. Criteria: ACMG Guidelines, 2015. Collection method: clinical testing. Allele origin: germline.

PreventionGenetics, part of Exact Sciences
Classification: Benign for CUX2-related condition. Last evaluated: 2024-10-03. Review status: criteria provided, single submitter. Criteria: ACMG Guidelines, 2015. Collection method: clinical testing. Allele origin: germline.
Comment: This variant is classified as benign based on ACMG/AMP sequence variant interpretation guidelines (Richards et al. 2015 PMID: 25741868, with internal and published modifications).

CeGaT Center for Human Genetics Tuebingen
Classification: Benign. Last evaluated: 2024-09-01. Review status: criteria provided, single submitter. Criteria: CeGaT Center For Human Genetics Tuebingen Variant Classification Criteria Version 2. Collection method: clinical testing. Allele origin: germline. Affected: yes. Observed: 2 variant alleles.
Comment: CUX2: BP4, BS1, BS2

Labcorp Genetics (formerly Invitae), Labcorp
Classification: Likely benign. Last evaluated: 2019-12-31. Review status: criteria provided, single submitter. Criteria: Invitae Variant Classification Sherloc (09022015). Collection method: clinical testing. Allele origin: germline.